The following is an entry in ClinVar:

ClinVar aggregate classification (germline): Likely benign. Review status: criteria provided, multiple submitters, no conflicts (2 of 4 stars). 2 submissions from 2 submitters: Likely benign (2). Last evaluated 2026-09-01.

gnomAD v4.1: 19 of 1,599,382 alleles (0.0012%); highest among the groups gnomAD compares: South Asian, 0.0022%; no homozygotes.

Submissions (2):

CeGaT Center for Human Genetics Tuebingen
Classification: Likely benign. Last evaluated: 2026-09-01. Review status: criteria provided, single submitter. Criteria: CeGaT Center For Human Genetics Tuebingen Variant Classification Criteria Version 2. Collection method: clinical testing. Allele origin: germline. Affected: yes. Observed: 1 variant allele.
Comment: ABCA2: BP4, BP7

Blueprint Genetics
Classification: Likely benign. Last evaluated: 2024-07-02. Review status: criteria provided, single submitter. Criteria: ACMG Guidelines, 2015. Collection method: clinical testing. Allele origin: germline.

NM_001606.5(ABCA2):c.6402G>A (p.Pro2134=)

Gene: ABCA2 (ATP binding cassette subfamily A member 2; minus strand). Cytogenetic location: 9q34.3.
Variant type: single nucleotide variant.
Coding change: c.6402G>A on transcript NM_001606.5 (MANE Select); coding-DNA position 6402, G replaced by A.
Protein change: p.Pro2134=; no amino-acid change (proline 2134 retained).
Molecular consequence: synonymous variant.
Genome position (GRCh38, 1-based): chr9:137,010,076, C>T on the plus strand (G>A on the coding strand, the complement: ABCA2 is on the minus strand). VCF-style: chr9-137010076-C-T. GRCh37 (hg19) VCF-style: chr9-139904528-C-T.
Other names: c.6399G>A, p.Pro2133= (NM_001411042.1); c.6492G>A, p.Pro2164= (NM_212533.3).
Identifiers: ClinVar variation 4905904 (VCV004905904.2).